The following is an entry in ClinVar:

NM_001370466.1(NOD2):c.1976A>C (p.His659Pro)

Gene: NOD2 (nucleotide binding oligomerization domain containing 2; plus strand). Cytogenetic location: 16q12.1.
Variant type: single nucleotide variant.
Coding change: c.1976A>C on transcript NM_001370466.1 (MANE Select); coding-DNA position 1976, A replaced by C.
Protein change: p.His659Pro; replaces histidine 659 with proline.
Molecular consequence: missense variant. On other transcripts: non-coding transcript variant (1).
Genome position (GRCh38, 1-based): chr16:50,711,968, A>C. VCF-style: chr16-50711968-A-C. GRCh37 (hg19) VCF-style: chr16-50745879-A-C.
Other names: c.1976A>C, p.His659Pro (NM_001293557.2); c.2057A>C, p.His686Pro (NM_022162.3); short protein forms H659P, H686P.
Identifiers: ClinVar variation 2947207 (VCV002947207.3), dbSNP rs201709367, ClinGen allele CA8051685.
Genomic context (GRCh38, chr16:50,711,968, plus strand): 5'-CCGAGCCGCACAACCTTCAGATCACAGCAGCCTTCCTGGCAGGGCTGTTGTCCCGGGAGC[A>C]CTGGGGCCTGCTGGCTGAGTGCCAGACATCTGAGAAGGCCCTGCTCCGGCGCCAGGCCTG-3'
Protein context (NP_001357395.1, residues 649-669): AFLAGLLSRE[His659Pro]WGLLAECQTS

ClinVar aggregate classification (germline): Uncertain significance (1 of 4 stars; one submission).

Conditions:
Regional enteritis. Also called: Enteritis, Granulomatous. Identifiers: MedGen C0678202, MeSH D003424.
Blau syndrome (BLAUS). Also called: ARTHROCUTANEOUVEAL GRANULOMATOSIS; GRANULOMATOSIS, FAMILIAL JUVENILE SYSTEMIC; GRANULOMATOSIS, FAMILIAL, BLAU TYPE; GRANULOMATOUS INFLAMMATORY ARTHRITIS, DERMATITIS, AND UVEITIS, FAMILIAL; JABS SYNDROME. Identifiers: Orphanet 90340, MedGen C5201146, MONDO:0008523, OMIM 186580.

Allele frequency attached by ClinVar (database versions not stated): gnomAD exomes 0.00002; ExAC 0.00003; 1000 Genomes Project 30x 0.00016; 1000 Genomes Project 0.00020.
gnomAD v4.1: 12 of 1,613,428 alleles (0.00074%); highest among the groups gnomAD compares: East Asian, 0.025%; no homozygotes.

Submission:

Labcorp Genetics (formerly Invitae), Labcorp
Classification: Uncertain significance for Regional enteritis; Blau syndrome. Last evaluated: 2023-09-12. Review status: criteria provided, single submitter. Criteria: Invitae Variant Classification Sherloc (09022015). Collection method: clinical testing. Allele origin: germline.
Comment: This variant is present in population databases (rs201709367, gnomAD 0.02%). This variant has not been reported in the literature in individuals affected with NOD2-related conditions. Advanced modeling of protein sequence and biophysical properties (such as structural, functional, and spatial information, amino acid conservation, physicochemical variation, residue mobility, and thermodynamic stability) performed at Invitae indicates that this missense variant is not expected to disrupt NOD2 protein function. In summary, the available evidence is currently insufficient to determine the role of this variant in disease. Therefore, it has been classified as a Variant of Uncertain Significance. This sequence change replaces histidine, which is basic and polar, with proline, which is neutral and non-polar, at codon 686 of the NOD2 protein (p.His686Pro).